The following is an entry in ClinVar:

ClinVar aggregate classification (germline): Likely benign. Review status: criteria provided, single submitter (1 of 4 stars). 2 submissions from 2 submitters: Likely benign (1). 1 of the submissions does not count toward it. Last evaluated 2024-11-25.

Conditions:
ZFHX3-related disorder. Also called: ZFHX3-related condition.

Allele frequency attached by ClinVar (database versions not stated): ESP Exome Variant Server 0.00008; TOPMed 0.00041; gnomAD 0.00047; gnomAD exomes 0.00068; ExAC 0.00092; 1000 Genomes Project 0.00180; 1000 Genomes Project 30x 0.00187.
gnomAD v4.1: 1,054 of 1,614,152 alleles (0.065%); highest among the groups gnomAD compares: East Asian, 2.1%; 19 homozygotes.

Submissions (2):

Blueprint Genetics
Classification: Likely benign. Last evaluated: 2024-11-25. Review status: criteria provided, single submitter. Criteria: ACMG Guidelines, 2015. Collection method: clinical testing. Allele origin: germline.

PreventionGenetics, part of Exact Sciences
Classification: Benign for ZFHX3-related condition. Last evaluated: 2019-06-13. Review status: no assertion criteria provided. Collection method: clinical testing. Allele origin: germline. Not counted in ClinVar's aggregate classification.
Comment: This variant is classified as benign based on ACMG/AMP sequence variant interpretation guidelines (Richards et al. 2015 PMID: 25741868, with internal and published modifications).

NM_006885.4(ZFHX3):c.7714A>G (p.Met2572Val)

Genes: ZFHX3 (zinc finger homeobox 3; minus strand), ZFHX3-AS1 (ZFHX3 antisense RNA 1; plus strand). Cytogenetic location: 16q22.2.
Variant type: single nucleotide variant.
Coding change: c.7714A>G on transcript NM_006885.4 (MANE Select); coding-DNA position 7714, A replaced by G.
Protein change: p.Met2572Val; replaces methionine 2572 with valine.
Molecular consequence: missense variant.
Genome position (GRCh38, 1-based): chr16:72,794,968, T>C on the plus strand (A>G on the coding strand, the complement: ZFHX3 is on the minus strand). VCF-style: chr16-72794968-T-C. GRCh37 (hg19) VCF-style: chr16-72828867-T-C.
Other names: c.4972A>G, p.Met1658Val (NM_001164766.2); c.7714A>G, p.Met2572Val (NM_001386735.1); short protein forms M1658V, M2572V.
Identifiers: ClinVar variation 3043931 (VCV003043931.3), dbSNP rs147672861, ClinGen allele CA8163181.